The following is an entry in ClinVar:

ClinVar aggregate classification (germline): Likely benign. Review status: criteria provided, multiple submitters, no conflicts (2 of 4 stars). 2 submissions from 2 submitters: Likely benign (2). Last evaluated 2025-09-24.

Conditions:
Cardiovascular phenotype. Identifiers: MedGen CN230736.
Familial hypercholesterolemia. Also called: Familial hypercholesterolemias; Familial hypercholesterolaemia. Identifiers: MedGen C0020445, MONDO:0005439.

Allele frequency attached by ClinVar (database versions not stated): gnomAD exomes below 0.00001; TOPMed below 0.00001.
gnomAD v4.1: 2 of 1,613,964 alleles (0.00012%); highest among the groups gnomAD compares: Admixed American, 0.0033%; no homozygotes.

Submissions (2):

GENinCode PLC
Classification: Likely benign for Familial hypercholesterolemia. Last evaluated: 2025-09-24. Review status: criteria provided, single submitter. Criteria: ACMG Guidelines, 2015. Collection method: clinical testing. Allele origin: germline.
Comment: This is a synonymous (silent) variant that is not predicted to impact splicing and occurs at a nucleotide which is not highly conserved. This variant has been classified as Likely Benign (BP4, BP7).

Ambry Genetics
Classification: Likely benign for Cardiovascular phenotype. Last evaluated: 2022-05-24. Review status: criteria provided, single submitter. Criteria: Ambry Variant Classification Scheme 2023. Collection method: clinical testing. Allele origin: germline.

NM_000384.3(APOB):c.11997C>T (p.Thr3999=)

Gene: APOB (apolipoprotein B; minus strand). Cytogenetic location: 2p24.1.
Variant type: single nucleotide variant.
Coding change: c.11997C>T on transcript NM_000384.3 (MANE Select); coding-DNA position 11997, C replaced by T.
Protein change: p.Thr3999=; no amino-acid change (threonine 3999 retained).
Molecular consequence: synonymous variant.
Genome position (GRCh38, 1-based): chr2:21,004,359, G>A on the plus strand (C>T on the coding strand, the complement: APOB is on the minus strand). VCF-style: chr2-21004359-G-A. GRCh37 (hg19) VCF-style: chr2-21227231-G-A.
Identifiers: ClinVar variation 1746612 (VCV001746612.3), dbSNP rs1224438700, ClinGen allele CA425342564.
Genomic context (GRCh38, chr2:21,004,359, plus strand): 5'-AAAGTCGTCATCTTCATCCATATCCATGCCCACGGTGCCTACGGCTGGGGAGGCTGCTGA[G>A]GTGGAGATGCCTTTCTTGTCTTTCTGGTAGCGCAGATGGAGATCGGTGAACGCTGGGCTT-3'
Protein context (NP_000375.3, residues 3989-4009): RYQKDKKGIS[Thr3999=]SAASPAVGTV